The following is an entry in ClinVar:

ClinVar aggregate classification (germline): Uncertain significance (1 of 4 stars; one submission).

Submission:

GeneDx
Classification: Uncertain significance. Last evaluated: 2026-02-03. Review status: criteria provided, single submitter. Criteria: GeneDx Variant Classification Process June 2021. Collection method: clinical testing. Allele origin: germline.
Comment: Not observed at significant frequency in large population cohorts (gnomAD); In silico analysis supports that this missense variant has a deleterious effect on protein structure/function; Has not been previously published as pathogenic or benign to our knowledge

NM_001128.6(AP1G1):c.806A>T (p.Asp269Val)

Gene: AP1G1 (adaptor related protein complex 1 subunit gamma 1; minus strand). Cytogenetic location: 16q22.2.
Variant type: single nucleotide variant.
Coding change: c.806A>T on transcript NM_001128.6 (MANE Select); coding-DNA position 806, A replaced by T.
Protein change: p.Asp269Val; replaces aspartic acid 269 with valine.
Molecular consequence: missense variant.
Genome position (GRCh38, 1-based): chr16:71,764,659, T>A on the plus strand (A>T on the coding strand, the complement: AP1G1 is on the minus strand). VCF-style: chr16-71764659-T-A. GRCh37 (hg19) VCF-style: chr16-71798562-T-A.
Other names: c.815A>T, p.Asp272Val (NM_001030007.2); short protein forms D269V, D272V.
Identifiers: ClinVar variation 4976123 (VCV004976123.1).